The following is an entry in ClinVar:

NM_006073.4(TRDN):c.854-7T>C

Genes: TRDN (triadin; minus strand), TRDN-AS1 (TRDN antisense RNA 1; plus strand). Cytogenetic location: 6q22.31.
Variant type: single nucleotide variant.
Coding change: c.854-7T>C on transcript NM_006073.4 (MANE Select); 7 bases into the intron before coding-DNA position 854, T replaced by C.
Molecular consequence: intron variant.
Genome position (GRCh38, 1-based): chr6:123,464,990, A>G on the plus strand (T>C on the coding strand, the complement: TRDN is on the minus strand). VCF-style: chr6-123464990-A-G. GRCh37 (hg19) VCF-style: chr6-123786135-A-G.
Other names: c.854-7T>C (NM_001251987.2, NM_006073.3); c.794-7T>C (NM_001256020.2).
Identifiers: ClinVar variation 1571569 (VCV001571569.12), dbSNP rs762404582, ClinGen allele CA3984234.

ClinVar aggregate classification (germline): Likely benign. Review status: criteria provided, multiple submitters, no conflicts (2 of 4 stars). 3 submissions from 3 submitters: Likely benign (2). 1 of the submissions does not count toward it. Last evaluated 2026-07-01.

Conditions:
Catecholaminergic polymorphic ventricular tachycardia 1. Also called: VENTRICULAR TACHYCARDIA, CATECHOLAMINERGIC POLYMORPHIC, 1, WITH OR WITHOUT ATRIAL DYSFUNCTION AND/OR DILATED CARDIOMYOPATHY; VENTRICULAR TACHYCARDIA, STRESS-INDUCED POLYMORPHIC 1; RYR2-Related Catecholaminergic Polymorphic Ventricular Tachycardia. Identifiers: Orphanet 3286, MedGen C1631597, MONDO:0011484, OMIM 604772.
TRDN-related disorder. Also called: TRDN-related condition.

Allele frequency attached by ClinVar (database versions not stated): gnomAD 0.00001; gnomAD exomes 0.00001 and 0.00002; ExAC 0.00002.
gnomAD v4.1: 22 of 1,577,738 alleles (0.0014%); highest among the groups gnomAD compares: Admixed American, 0.0018%; no homozygotes.

Submissions (3):

CeGaT Center for Human Genetics Tuebingen
Classification: Likely benign. Last evaluated: 2026-07-01. Review status: criteria provided, single submitter. Criteria: CeGaT Center For Human Genetics Tuebingen Variant Classification Criteria Version 2. Collection method: clinical testing. Allele origin: germline. Affected: yes. Observed: 1 variant allele.
Comment: TRDN: BP4

Labcorp Genetics (formerly Invitae), Labcorp
Classification: Likely benign for Catecholaminergic polymorphic ventricular tachycardia 1. Last evaluated: 2025-10-01. Review status: criteria provided, single submitter. Criteria: Invitae Variant Classification Sherloc (09022015). Collection method: clinical testing. Allele origin: germline.

PreventionGenetics, part of Exact Sciences
Classification: Likely benign for TRDN-related condition. Last evaluated: 2019-11-06. Review status: no assertion criteria provided. Collection method: clinical testing. Allele origin: germline. Not counted in ClinVar's aggregate classification.
Comment: This variant is classified as likely benign based on ACMG/AMP sequence variant interpretation guidelines (Richards et al. 2015 PMID: 25741868, with internal and published modifications).